The following is an entry in ClinVar:

NM_000089.4(COL1A2):c.2812C>T (p.Arg938Cys)

Gene: COL1A2 (collagen type I alpha 2 chain; plus strand). Cytogenetic location: 7q21.3.
Variant type: single nucleotide variant.
Coding change: c.2812C>T on transcript NM_000089.4 (MANE Select); coding-DNA position 2812, C replaced by T.
Protein change: p.Arg938Cys; replaces arginine 938 with cysteine.
Molecular consequence: missense variant.
Genome position (GRCh38, 1-based): chr7:94,425,640, C>T. VCF-style: chr7-94425640-C-T. GRCh37 (hg19) VCF-style: chr7-94054952-C-T.
Other names: short protein forms R938C.
Identifiers: ClinVar variation 4788968 (VCV004788968.1).
Genomic context (GRCh38, chr7:94,425,640, plus strand): 5'-ACAGCCTTAATTTGTGTGGTGTCTTCACAGGGCAACCCTGGGAACGATGGTCCCCCAGGT[C>T]GCGATGGTCAACCCGGACACAAGGTCAGTACACTTTTCATCTTTCTCTAATTCAAAAGTG-3'
Protein context (NP_000080.2, residues 928-948): GNPGNDGPPG[Arg938Cys]DGQPGHKGER

ClinVar aggregate classification (germline): Uncertain significance (1 of 4 stars; one submission).

Conditions:
Ehlers-Danlos syndrome, classic type, 1 (EDSCL1). Also called: EHLERS-DANLOS SYNDROME, GRAVIS TYPE; EHLERS-DANLOS SYNDROME, SEVERE CLASSIC TYPE; Ehlers-Danlos syndrome, type 1; Ehlers-Danlos Syndrome, Classic Type, COL5A1-Related; EDS I. Identifiers: MedGen C0268335, MONDO:0019567, OMIM 130000.
Osteogenesis imperfecta type I (OI1). Also called: OI, TYPE I; OSTEOGENESIS IMPERFECTA TARDA; OSTEOGENESIS IMPERFECTA WITH BLUE SCLERAE; Osteogenesis imperfecta type 1; Lobstein's Disease; Lobstein disease. Identifiers: Orphanet 216796, Orphanet 666, MedGen C0023931, MONDO:0008146, OMIM 166200. Disease mechanism: loss of function.

gnomAD v4.1: 2 of 1,614,056 alleles (0.00012%); highest among the groups gnomAD compares: Non-Finnish European, 0.00017%; no homozygotes.

Submission:

Labcorp Genetics (formerly Invitae), Labcorp
Classification: Uncertain significance for Osteogenesis imperfecta type I; Ehlers-Danlos syndrome, classic type, 1. Last evaluated: 2025-12-12. Review status: criteria provided, single submitter. Criteria: Invitae Variant Classification Sherloc (09022015). Collection method: clinical testing. Allele origin: germline.
Comment: This sequence change replaces arginine, which is basic and polar, with cysteine, which is neutral and slightly polar, at codon 938 of the COL1A2 protein (p.Arg938Cys). This variant is not present in population databases (gnomAD no frequency). This variant has not been reported in the literature in individuals affected with COL1A2-related conditions. Invitae Evidence Modeling of protein sequence and biophysical properties (such as structural, functional, and spatial information, amino acid conservation, physicochemical variation, residue mobility, and thermodynamic stability) indicates that this missense variant is expected to disrupt COL1A2 protein function with a positive predictive value of 95%. In summary, the available evidence is currently insufficient to determine the role of this variant in disease. Therefore, it has been classified as a Variant of Uncertain Significance.